The following is an entry in ClinVar:

NM_004329.3(BMPR1A):c.494T>C (p.Ile165Thr)

Gene: BMPR1A (bone morphogenetic protein receptor type 1A; plus strand). Cytogenetic location: 10q23.2.
Variant type: single nucleotide variant.
Coding change: c.494T>C on transcript NM_004329.3 (MANE Select); coding-DNA position 494, T replaced by C.
Protein change: p.Ile165Thr; replaces isoleucine 165 with threonine.
Molecular consequence: missense variant.
Genome position (GRCh38, 1-based): chr10:86,900,090, T>C. VCF-style: chr10-86900090-T-C. GRCh37 (hg19) VCF-style: chr10-88659847-T-C.
Other names: short protein forms I165T.
Identifiers: ClinVar variation 648592 (VCV000648592.14), dbSNP rs1260484420, ClinGen allele CA377450524.

ClinVar aggregate classification (germline): Uncertain significance. Review status: criteria provided, multiple submitters, no conflicts (2 of 4 stars). 3 submissions from 3 submitters: Uncertain significance (3). Last evaluated 2023-06-16.

Conditions:
Juvenile polyposis syndrome (JPS). Identifiers: Orphanet 2929, MedGen C0345893, MONDO:0017380, OMIM 174900.
Hereditary cancer-predisposing syndrome. Also called: Hereditary Cancer Syndrome; Tumor predisposition; Neoplastic Syndromes, Hereditary; Hereditary neoplastic syndrome. Identifiers: Orphanet 140162, MedGen C0027672, MeSH D009386, MONDO:0015356.
Polyposis syndrome, hereditary mixed, 2. Identifiers: Orphanet 157794, MedGen C1864730, MONDO:0012405, OMIM 610069.

Allele frequency attached by ClinVar (database versions not stated): gnomAD exomes below 0.00001.

Submissions (3):

Baylor Genetics
Classification: Uncertain significance for Polyposis syndrome, hereditary mixed, 2. Last evaluated: 2023-06-16. Review status: criteria provided, single submitter. Criteria: ACMG Guidelines, 2015. Collection method: clinical testing. Allele origin: unknown.

Ambry Genetics
Classification: Uncertain significance for Hereditary cancer-predisposing syndrome. Last evaluated: 2021-12-17. Review status: criteria provided, single submitter. Criteria: Ambry Variant Classification Scheme 2023. Collection method: clinical testing. Allele origin: germline.
Comment: The p.I165T variant (also known as c.494T>C), located in coding exon 5 of the BMPR1A gene, results from a T to C substitution at nucleotide position 494. The isoleucine at codon 165 is replaced by threonine, an amino acid with similar properties. This amino acid position is not well conserved in available vertebrate species. In addition, this alteration is predicted to be tolerated by in silico analysis. Since supporting evidence is limited at this time, the clinical significance of this alteration remains unclear.

Labcorp Genetics (formerly Invitae), Labcorp
Classification: Uncertain significance for Juvenile polyposis syndrome. Last evaluated: 2019-06-02. Review status: criteria provided, single submitter. Criteria: Invitae Variant Classification Sherloc (09022015). Collection method: clinical testing. Allele origin: germline.
Comment: This sequence change replaces isoleucine with threonine at codon 165 of the BMPR1A protein (p.Ile165Thr). The isoleucine residue is moderately conserved and there is a moderate physicochemical difference between isoleucine and threonine. This variant is not present in population databases (ExAC no frequency). This variant has not been reported in the literature in individuals with BMPR1A-related disease. Algorithms developed to predict the effect of missense changes on protein structure and function are either unavailable or do not agree on the potential impact of this missense change (SIFT: "Deleterious"; PolyPhen-2: "Benign"; Align-GVGD: "Class C0"). In summary, the available evidence is currently insufficient to determine the role of this variant in disease. Therefore, it has been classified as a Variant of Uncertain Significance.